The following is an entry in ClinVar:

ClinVar aggregate classification (germline): Benign (1 of 4 stars; one submission).

Conditions:
Fabry disease. Also called: ALPHA-GALACTOSIDASE A DEFICIENCY; ANDERSON-FABRY DISEASE; CERAMIDE TRIHEXOSIDASE DEFICIENCY; GLA DEFICIENCY; HEREDITARY DYSTOPIC LIPIDOSIS; Angiokeratoma corporis diffusum. Identifiers: Orphanet 324, MedGen C0002986, MONDO:0010526, OMIM 301500, HP:0001071. Disease mechanism: Fabry disease is due to inactivating mutations in the X-linked GLA gene resulting in deficiency of the enzyme Alpha Galactosidase-A., loss of function.

gnomAD v4.1: 5,005 of 78,937 alleles (6.3%); highest among the groups gnomAD compares: Middle Eastern, 15%; 176 homozygotes.

Submission:

Genomenon, Inc
Classification: Benign for Fabry disease. Last evaluated: 2026-09-08. Review status: criteria provided, single submitter. Criteria: Genomenon Sequence Variant Interpretation Standards - Updated. Collection method: curation. Allele origin: germline. Affected: no.
Comment: GLA c.195-1238G>A is an intronic variant located in intron 1. This variant is present at high allele frequency in population databases. We classify GLA c.195-1238G>A as a benign variant.

NM_000169.3(GLA):c.195-1238G>A

Genes: GLA (galactosidase alpha; minus strand), RPL36A-HNRNPH2 (RPL36A-HNRNPH2 readthrough; plus strand). Cytogenetic location: Xq22.1.
Variant type: single nucleotide variant.
Coding change: c.195-1238G>A on transcript NM_000169.3 (MANE Select); 1238 bases into the intron before coding-DNA position 195, G replaced by A.
Molecular consequence: intron variant. On other transcripts: missense variant (2).
Genome position (GRCh38, 1-based): chrX:101,405,223, C>T on the plus strand (G>A on the coding strand, the complement: GLA is on the minus strand). VCF-style: chrX-101405223-C-T. GRCh37 (hg19) VCF-style: chrX-100660211-C-T.
Other names: c.205G>A, p.Ala69Thr (NM_001406747.1, NM_001406749.1); c.301-6713C>T (NM_001199973.2); c.178-6713C>T (NM_001199974.2); c.195-1238G>A (NM_001406748.1); short protein forms A69T.
Identifiers: ClinVar variation 4087094 (VCV004087094.2).
Genomic context (GRCh38, chrX:101,405,223, plus strand): 5'-GAGGCGGAGGTTGCGGTGAACCGAGATCGTGACATTGTACTCCAGCCTGGGCAACAAGAG[C>T]GAAACTCCAGCTCAAAAAAAAAAAAAAAAAGAAAAAAAAGATAAAGGAAGCTAGTGTGGA-3'